The following is an entry in ClinVar:

ClinVar aggregate classification (germline): Uncertain significance (1 of 4 stars; one submission).

gnomAD v4.1: 3 of 1,206,498 alleles (0.00025%); highest among the groups gnomAD compares: African/African-American, 0.0035%; no homozygotes.

Submission:

Labcorp Genetics (formerly Invitae), Labcorp
Classification: Uncertain significance. Last evaluated: 2025-10-17. Review status: criteria provided, single submitter. Criteria: Invitae Variant Classification Sherloc (09022015). Collection method: clinical testing. Allele origin: germline.
Comment: This sequence change replaces serine, which is neutral and polar, with phenylalanine, which is neutral and non-polar, at codon 259 of the PQBP1 protein (p.Ser259Phe). The frequency data for this variant in the population databases is considered unreliable, as metrics indicate poor data quality at this position in the gnomAD database. This variant has not been reported in the literature in individuals affected with PQBP1-related conditions. Invitae Evidence Modeling of protein sequence and biophysical properties (such as structural, functional, and spatial information, amino acid conservation, physicochemical variation, residue mobility, and thermodynamic stability) indicates that this missense variant is not expected to disrupt PQBP1 protein function with a negative predictive value of 80%. In summary, the available evidence is currently insufficient to determine the role of this variant in disease. Therefore, it has been classified as a Variant of Uncertain Significance.

NM_001032382.2(PQBP1):c.776C>T (p.Ser259Phe)

Gene: PQBP1 (polyglutamine binding protein 1; plus strand). Cytogenetic location: Xp11.23.
Variant type: single nucleotide variant.
Coding change: c.776C>T on transcript NM_001032382.2 (MANE Select); coding-DNA position 776, C replaced by T.
Protein change: p.Ser259Phe; replaces serine 259 with phenylalanine.
Molecular consequence: missense variant.
Genome position (GRCh38, 1-based): chrX:48,903,062, C>T. VCF-style: chrX-48903062-C-T. GRCh37 (hg19) VCF-style: chrX-48760339-C-T.
Other names: c.776C>T, p.Ser259Phe (NM_001032381.2, NM_001032383.2, NM_001032384.1 and 1 more transcripts); c.773C>T, p.Ser258Phe (NM_001167989.2); c.752C>T, p.Ser251Phe (NM_001167990.2); c.476C>T, p.Ser159Phe (NM_001167992.1); c.491C>T, p.Ser164Phe (NM_001437502.1, NM_144495.3); short protein forms S258F, S159F, S164F, S251F, S259F.
Identifiers: ClinVar variation 4750517 (VCV004750517.1).
Genomic context (GRCh38, chrX:48,903,062, plus strand): 5'-TCTTCCAGCAGCGGCCGTATCCATCCCCAGGGGCTGTGCTCCGGGCCAATGCAGAGGCCT[C>T]CCGAACCAAGCAGCAGGATTGAAGCTTCGGCCTCCCTGGCCCTGGGTTAAAATAAAAGCT-3'
Protein context (NP_001027554.1, residues 249-265): GAVLRANAEA[Ser259Phe]RTKQQD